The following is an entry in ClinVar:

ClinVar aggregate classification (germline): Conflicting classifications of pathogenicity. Review status: criteria provided, conflicting classifications (1 of 4 stars). 8 submissions from 8 submitters: Pathogenic (2); Likely pathogenic (3); Uncertain significance (1). 2 of the submissions do not count toward it. Last evaluated 2026-07-01.

Conditions:
Intellectual disability-facial dysmorphism syndrome due to SETD5 haploinsufficiency (MRD23). Also called: Intellectual developmental disorder, autosomal dominant 23. Identifiers: Orphanet 404440, MedGen C3810406, MONDO:0014336, OMIM 615761.
Inborn genetic diseases. Identifiers: MedGen C0950123, MeSH D030342.

Submissions (8):

Genetics Institute, Tel Aviv Sourasky Medical Center
Classification: Likely pathogenic for Intellectual disability-facial dysmorphism syndrome due to SETD5 haploinsufficiency. Last evaluated: 2026-07-01. Review status: criteria provided, single submitter. Criteria: ACMG Guidelines, 2015. Collection method: research. Allele origin: germline. Affected: yes.
Comment: The variant affects a highly conserved amino acid (GERP 5.49) in the protein's functional domain (SET domain). It was observed de novo in three unrelated patients with an MRD23-associated phenotype (OMIM 615761). The variant was not observed in public databases (gnomAD MAF = 0), and it is predicted deleterious (REVEL 0.83, AlphaMissense 0.998). The variant was classified as likely pathogenic according to ACMG criteria (PM5_supporting, PM1, PP3_moderate, PS2_moderate, PS4).

Ambry Genetics
Classification: Likely pathogenic for Inborn genetic diseases. Last evaluated: 2025-10-15. Review status: criteria provided, single submitter. Criteria: Ambry Variant Classification Scheme 2023. Collection method: clinical testing. Allele origin: germline.
Comment: The c.1043G>A (p.R348Q) alteration is located in exon 10 (coding exon 8) of the SETD5 gene. This alteration results from a G to A substitution at nucleotide position 1043, causing the arginine (R) at amino acid position 348 to be replaced by a glutamine (Q). This variant was not reported in population-based cohorts in the Genome Aggregation Database (gnomAD). This variant was reported in individual(s) with features consistent with SETD5-related neurodevelopmental disorder; in at least one individual, it was determined to be de novo (Levy, 2022; Baalmann, 2023). This amino acid position is highly conserved in available vertebrate species. This missense alteration is located in a region that has a low rate of benign missense variation (Lek, 2016; Firth, 2009). This alteration is predicted to be deleterious by in silico analysis. Based on the available evidence, this alteration is classified as likely pathogenic.

Labcorp Genetics (formerly Invitae), Labcorp
Classification: Pathogenic. Last evaluated: 2025-08-21. Review status: criteria provided, single submitter. Criteria: Invitae Variant Classification Sherloc (09022015). Collection method: clinical testing. Allele origin: germline.
Comment: This sequence change replaces arginine, which is basic and polar, with glutamine, which is neutral and polar, at codon 348 of the SETD5 protein (p.Arg348Gln). This variant is not present in population databases (gnomAD no frequency). This missense change has been observed in individual(s) with SETD5-related conditions (PMID: 28191889, 33004838, 35904121, 37120078). In at least one individual the variant was observed to be de novo. ClinVar contains an entry for this variant (Variation ID: 1206033). Invitae Evidence Modeling of protein sequence and biophysical properties (such as structural, functional, and spatial information, amino acid conservation, physicochemical variation, residue mobility, and thermodynamic stability) indicates that this missense variant is expected to disrupt SETD5 protein function with a positive predictive value of 80%. This variant disrupts the p.Arg348 amino acid residue in SETD5. Other variant(s) that disrupt this residue have been determined to be pathogenic (internal data). This suggests that this residue is clinically significant, and that variants that disrupt this residue are likely to be disease-causing. For these reasons, this variant has been classified as Pathogenic.

GeneDx
Classification: Pathogenic. Last evaluated: 2025-07-25. Review status: criteria provided, single submitter. Criteria: GeneDx Variant Classification Process June 2021. Collection method: clinical testing. Allele origin: germline.
Comment: In silico analysis supports that this missense variant has a deleterious effect on protein structure/function; Not observed at significant frequency in large population cohorts (gnomAD); This variant is associated with the following publications: (PMID: 33004838, 33057194, 35982159, 35904121, 28191889, 37120078, Badam2023[CaseReport])

Laboratorio de Genetica e Diagnostico Molecular, Hospital Israelita Albert Einstein
Classification: Uncertain significance. Last evaluated: 2022-01-31. Review status: criteria provided, single submitter. Criteria: ACMG Guidelines, 2015. Collection method: clinical testing. Allele origin: germline. Affected: yes.
Comment: ACMG classification criteria: PM2, PM5, PP3

CENTOGENE GmbH and LLC - Guiding Precision Medicine
Classification: Likely pathogenic for Intellectual disability-facial dysmorphism syndrome due to SETD5 haploinsufficiency. Last evaluated: 2020-04-16. Review status: criteria provided, single submitter. Criteria: ACMG Guidelines, 2015. Collection method: clinical testing. Allele origin: de novo. Affected: yes.

Joint Genome Diagnostic Labs from Nijmegen and Maastricht, Radboudumc and MUMC+
Classification: Likely pathogenic. Review status: no assertion criteria provided. Collection method: clinical testing. Allele origin: germline. Affected: yes. Study: VKGL Data-share Consensus. Not counted in ClinVar's aggregate classification.

Laboratory of Diagnostic Genome Analysis, Leiden University Medical Center (LUMC)
Classification: Likely pathogenic. Review status: no assertion criteria provided. Collection method: clinical testing. Allele origin: germline. Affected: yes. Study: VKGL Data-share Consensus. Not counted in ClinVar's aggregate classification.

Literature cited by the submitters: PubMed 35904121 (cited by Ambry Genetics and Labcorp Genetics (formerly Invitae), Labcorp); PubMed 37120078 (cited by Ambry Genetics and Labcorp Genetics (formerly Invitae), Labcorp); PubMed 28191889 (cited by Labcorp Genetics (formerly Invitae), Labcorp); PubMed 33004838 (cited by Labcorp Genetics (formerly Invitae), Labcorp).

NM_001080517.3(SETD5):c.1043G>A (p.Arg348Gln)

Gene: SETD5 (SET domain containing 5; plus strand). Cytogenetic location: 3p25.3.
Variant type: single nucleotide variant.
Coding change: c.1043G>A on transcript NM_001080517.3 (MANE Select); coding-DNA position 1043, G replaced by A.
Protein change: p.Arg348Gln; replaces arginine 348 with glutamine.
Molecular consequence: missense variant.
Genome position (GRCh38, 1-based): chr3:9,442,211, G>A. VCF-style: chr3-9442211-G-A. GRCh37 (hg19) VCF-style: chr3-9483895-G-A.
Other names: c.749G>A, p.Arg250Gln (NM_001349451.2, NM_001292043.2); c.1043G>A (NM_001080517.1, NM_001080517.2); short protein forms R250Q, R348Q.
Identifiers: ClinVar variation 1206033 (VCV001206033.13), dbSNP rs2125194268, ClinGen allele CA351689550.
Genomic context (GRCh38, chr3:9,442,211, plus strand): 5'-ACTCAAAATTCAATGGTGTAGAGATGTGTGTGGATGCCCGTACTTTCGGTAATGATGCTC[G>A]GTTCATCAGAAGATCATGTACACCAAATGCAGAGGTAAGATATCTGTAGCAACTTCCCTT-3'
Protein context (NP_001073986.1, residues 338-358): VDARTFGNDA[Arg348Gln]FIRRSCTPNA